The following is an entry in ClinVar:

ClinVar aggregate classification (germline): Uncertain significance. Review status: criteria provided, multiple submitters, no conflicts (2 of 4 stars). 3 submissions from 3 submitters: Uncertain significance (3). Last evaluated 2024-11-04.

Conditions:
Inborn genetic diseases. Identifiers: MedGen C0950123, MeSH D030342.

Allele frequency attached by ClinVar (database versions not stated): gnomAD exomes below 0.00001; gnomAD 0.00001; TOPMed 0.00001.

Submissions (3):

Labcorp Genetics (formerly Invitae), Labcorp
Classification: Uncertain significance. Last evaluated: 2024-11-04. Review status: criteria provided, single submitter. Criteria: Invitae Variant Classification Sherloc (09022015). Collection method: clinical testing. Allele origin: germline.
Comment: This sequence change replaces arginine, which is basic and polar, with histidine, which is basic and polar, at codon 698 of the RBP3 protein (p.Arg698His). The frequency data for this variant in the population databases is considered unreliable, as metrics indicate poor data quality at this position in the gnomAD database. This variant has not been reported in the literature in individuals affected with RBP3-related conditions. ClinVar contains an entry for this variant (Variation ID: 1472318). Invitae Evidence Modeling of protein sequence and biophysical properties (such as structural, functional, and spatial information, amino acid conservation, physicochemical variation, residue mobility, and thermodynamic stability) indicates that this missense variant is not expected to disrupt RBP3 protein function with a negative predictive value of 80%. In summary, the available evidence is currently insufficient to determine the role of this variant in disease. Therefore, it has been classified as a Variant of Uncertain Significance.

Ambry Genetics
Classification: Uncertain significance for Inborn genetic diseases. Last evaluated: 2024-05-30. Review status: criteria provided, single submitter. Criteria: Ambry Variant Classification Scheme 2023. Collection method: clinical testing. Allele origin: germline.

Blueprint Genetics
Classification: Uncertain significance. Last evaluated: 2019-06-16. Review status: criteria provided, single submitter. Criteria: ACMG Guidelines, 2015. Collection method: clinical testing. Allele origin: germline.

NM_002900.3(RBP3):c.2093G>A (p.Arg698His)

Gene: RBP3 (retinol binding protein 3; plus strand). Cytogenetic location: 10q11.22.
Variant type: single nucleotide variant.
Coding change: c.2093G>A on transcript NM_002900.3 (MANE Select); coding-DNA position 2093, G replaced by A.
Protein change: p.Arg698His; replaces arginine 698 with histidine.
Molecular consequence: missense variant.
Genome position (GRCh38, 1-based): chr10:47,350,577, G>A. VCF-style: chr10-47350577-G-A. GRCh37 (hg19) VCF-style: chr10-48388785-C-T.
Other names: c.2093G>A (NM_002900.2); short protein forms R698H.
Identifiers: ClinVar variation 1472318 (VCV001472318.8), dbSNP rs1439875662, ClinGen allele CA376672058.